The following is an entry in ClinVar:

ClinVar aggregate classification (germline): Uncertain significance. Review status: criteria provided, multiple submitters, no conflicts (2 of 4 stars). 2 submissions from 2 submitters: Uncertain significance (2). Last evaluated 2025-03-22.

Conditions:
Hereditary cancer-predisposing syndrome. Also called: Tumor predisposition; Hereditary Cancer Syndrome; Hereditary neoplastic syndrome; Neoplastic Syndromes, Hereditary. Identifiers: Orphanet 140162, MedGen C0027672, MeSH D009386, MONDO:0015356.

Allele frequency attached by ClinVar (database versions not stated): gnomAD exomes below 0.00001; TOPMed below 0.00001.
gnomAD v4.1: 1 of 1,612,270 alleles (0.000062%); highest among the groups gnomAD compares: Admixed American, 0.0017%; no homozygotes.

Submissions (2):

Ambry Genetics
Classification: Uncertain significance for Hereditary cancer-predisposing syndrome. Last evaluated: 2025-03-22. Review status: criteria provided, single submitter. Criteria: Ambry Variant Classification Scheme 2023. Collection method: clinical testing. Allele origin: germline.
Comment: The p.M208V variant (also known as c.622A>G), located in coding exon 5 of the RAD50 gene, results from an A to G substitution at nucleotide position 622. The methionine at codon 208 is replaced by valine, an amino acid with highly similar properties. This variant was not reported in population based cohorts in the following databases: Database of Single Nucleotide Polymorphisms (dbSNP), NHLBI Exome Sequencing Project (ESP), and 1000 Genomes Project. In the ESP, this variant was not observed in 6503 samples (13006 alleles) with coverage at this position. To date, this alteration has been detected with an allele frequency of approximately 0.001% (greater than 120000 alleles tested) in our clinical cohort. This amino acid position is poorly conserved in available vertebrate species. In addition, this alteration is predicted to be benign and tolerated by PolyPhen and SIFT in silico Since supporting evidence is limited at this time, the clinical significance of this alteration remains unclear.analyses, respectively.

Labcorp Genetics (formerly Invitae), Labcorp
Classification: Uncertain significance for Hereditary cancer-predisposing syndrome. Last evaluated: 2023-09-18. Review status: criteria provided, single submitter. Criteria: Invitae Variant Classification Sherloc (09022015). Collection method: clinical testing. Allele origin: germline.
Comment: In summary, the available evidence is currently insufficient to determine the role of this variant in disease. Therefore, it has been classified as a Variant of Uncertain Significance. This sequence change replaces methionine, which is neutral and non-polar, with valine, which is neutral and non-polar, at codon 208 of the RAD50 protein (p.Met208Val). ClinVar contains an entry for this variant (Variation ID: 486243). Advanced modeling of protein sequence and biophysical properties (such as structural, functional, and spatial information, amino acid conservation, physicochemical variation, residue mobility, and thermodynamic stability) performed at Invitae indicates that this missense variant is not expected to disrupt RAD50 protein function. This variant is not present in population databases (gnomAD no frequency). This variant has not been reported in the literature in individuals affected with RAD50-related conditions.

NM_005732.4(RAD50):c.622A>G (p.Met208Val)

Gene: RAD50 (RAD50 double strand break repair protein; plus strand). Cytogenetic location: 5q31.1.
Variant type: single nucleotide variant.
Coding change: c.622A>G on transcript NM_005732.4 (MANE Select); coding-DNA position 622, A replaced by G.
Protein change: p.Met208Val; replaces methionine 208 with valine.
Molecular consequence: missense variant.
Genome position (GRCh38, 1-based): chr5:132,579,932, A>G. VCF-style: chr5-132579932-A-G. GRCh37 (hg19) VCF-style: chr5-131915624-A-G.
Other names: short protein forms M208V.
Identifiers: ClinVar variation 486243 (VCV000486243.14), dbSNP rs1554097808, ClinGen allele CA360935957.